The following is an entry in ClinVar:

ClinVar aggregate classification (germline): Likely benign (1 of 4 stars; one submission).

Conditions:
SEMA3A-related disorder. Also called: SEMA3A-related condition.

Submission:

PreventionGenetics, part of Exact Sciences
Classification: Likely benign for SEMA3A-related condition. Last evaluated: 2026-05-22. Review status: criteria provided, single submitter. Criteria: ACMG Guidelines, 2015. Collection method: clinical testing. Allele origin: germline.
Comment: This variant is classified as likely benign based on ACMG/AMP sequence variant interpretation guidelines (Richards et al. 2015 PMID: 25741868, with internal and published modifications).

NM_006080.3(SEMA3A):c.2277G>A (p.Arg759=)

Gene: SEMA3A (semaphorin 3A; minus strand). Cytogenetic location: 7q21.11.
Variant type: single nucleotide variant.
Coding change: c.2277G>A on transcript NM_006080.3 (MANE Select); coding-DNA position 2277, G replaced by A.
Protein change: p.Arg759=; no amino-acid change (arginine 759 retained).
Molecular consequence: synonymous variant.
Genome position (GRCh38, 1-based): chr7:83,961,410, C>T on the plus strand (G>A on the coding strand, the complement: SEMA3A is on the minus strand). VCF-style: chr7-83961410-C-T. GRCh37 (hg19) VCF-style: chr7-83590726-C-T.
Identifiers: ClinVar variation 4991554 (VCV004991554.1).
Genomic context (GRCh38, chr7:83,961,410, plus strand): 5'-GGTTTCTAGAGGTAATGCAGCTCAGACACTCCTGGGTGCCCTCTCAAATTCGTGGGTCCT[C>T]CTGTTTCTACCTTTCTTATTTTCTTGTAAGTGCTTCCATTTGTTACTGTTCCCTGGGGTA-3'
Protein context (NP_006071.1, residues 749-769): HLQENKKGRN[Arg759=]RTHEFERAPR